The following is an entry in ClinVar:

NM_016213.5(TRIP4):c.112T>A (p.Ser38Thr)

Gene: TRIP4 (thyroid hormone receptor interactor 4; plus strand). Cytogenetic location: 15q22.31.
Variant type: single nucleotide variant.
Coding change: c.112T>A on transcript NM_016213.5 (MANE Select); coding-DNA position 112, T replaced by A.
Protein change: p.Ser38Thr; replaces serine 38 with threonine.
Molecular consequence: missense variant. On other transcripts: 5 prime UTR variant (1), non-coding transcript variant (1).
Genome position (GRCh38, 1-based): chr15:64,393,956, T>A. VCF-style: chr15-64393956-T-A. GRCh37 (hg19) VCF-style: chr15-64686155-T-A.
Other names: c.-579T>A (NM_001321924.2); short protein forms S38T.
Identifiers: ClinVar variation 1717390 (VCV001717390.5), dbSNP rs1300320888, ClinGen allele CA393193741.
Genomic context (GRCh38, chr15:64,393,956, plus strand): 5'-AACAGTGTAAGTTAGTCTTGTTTCAACAACTTATATCTTTGCCTCCTGAGGTACGTTTTG[T>A]CAATTGAGAGTGCTGAAGAGATACGAGAATATGTTACTGATCTCCTCCAGGGAAATGAAG-3'
Protein context (NP_057297.2, residues 28-48): VSEEIIQYVL[Ser38Thr]IESAEEIREY

ClinVar aggregate classification (germline): Uncertain significance (1 of 4 stars; one submission).

Submission:

Labcorp Genetics (formerly Invitae), Labcorp
Classification: Uncertain significance. Last evaluated: 2022-08-21. Review status: criteria provided, single submitter. Criteria: Invitae Variant Classification Sherloc (09022015). Collection method: clinical testing. Allele origin: germline.
Comment: In summary, the available evidence is currently insufficient to determine the role of this variant in disease. Therefore, it has been classified as a Variant of Uncertain Significance. Algorithms developed to predict the effect of missense changes on protein structure and function are either unavailable or do not agree on the potential impact of this missense change (SIFT: "Tolerated"; PolyPhen-2: "Probably Damaging"; Align-GVGD: "Class C0"). This variant has not been reported in the literature in individuals affected with TRIP4-related conditions. This variant is not present in population databases (gnomAD no frequency). This sequence change replaces serine, which is neutral and polar, with threonine, which is neutral and polar, at codon 38 of the TRIP4 protein (p.Ser38Thr).